The following is an entry in ClinVar:

NM_000088.4(COL1A1):c.3183C>T (p.Gly1061=)

Gene: COL1A1 (collagen type I alpha 1 chain; minus strand). Cytogenetic location: 17q21.33.
Variant type: single nucleotide variant.
Coding change: c.3183C>T on transcript NM_000088.4 (MANE Select); coding-DNA position 3183, C replaced by T.
Protein change: p.Gly1061=; no amino-acid change (glycine 1061 retained).
Molecular consequence: synonymous variant.
Genome position (GRCh38, 1-based): chr17:50,188,554, G>A on the plus strand (C>T on the coding strand, the complement: COL1A1 is on the minus strand). VCF-style: chr17-50188554-G-A. GRCh37 (hg19) VCF-style: chr17-48265915-G-A.
Identifiers: ClinVar variation 640145 (VCV000640145.9), dbSNP rs1598287862, ClinGen allele CA500844389.
Genomic context (GRCh38, chr17:50,188,554, plus strand): 5'-TGACCAGGTACAGGGAACTGGAGCCCAGCTACTTACAGTCTCACCACGATCACCACTCTT[G>A]CCAGCAGGGCCAACGGGGCCAGGGGCACCAGGAGCACCAGGAGCACCAGGGGGTCCAGCG-3'
Protein context (NP_000079.2, residues 1051-1071): PGAPGPVGPA[Gly1061=]KSGDRGETGP

ClinVar aggregate classification (germline): Uncertain significance (1 of 4 stars; one submission).

Conditions:
Osteogenesis imperfecta type I (OI1). Also called: OI, TYPE I; OSTEOGENESIS IMPERFECTA TARDA; OSTEOGENESIS IMPERFECTA WITH BLUE SCLERAE; Classic Non-deforming Osteogenesis Imperfecta with Blue Sclerae; Osteogenesis imperfecta type 1; Lobstein disease. Identifiers: Orphanet 216796, Orphanet 666, MedGen C0023931, MONDO:0008146, OMIM 166200. Disease mechanism: loss of function.

Submission:

Labcorp Genetics (formerly Invitae), Labcorp
Classification: Uncertain significance for Osteogenesis imperfecta type I. Last evaluated: 2024-02-24. Review status: criteria provided, single submitter. Criteria: Invitae Variant Classification Sherloc (09022015). Collection method: clinical testing. Allele origin: germline.
Comment: This sequence change affects codon 1061 of the COL1A1 mRNA. It is a 'silent' change, meaning that it does not change the encoded amino acid sequence of the COL1A1 protein. This variant is not present in population databases (gnomAD no frequency). This variant has been observed in individual(s) with osteogenesis imperfecta (Invitae). ClinVar contains an entry for this variant (Variation ID: 640145). Algorithms developed to predict the effect of sequence changes on RNA splicing suggest that this variant may disrupt the consensus splice site. In summary, the available evidence is currently insufficient to determine the role of this variant in disease. Therefore, it has been classified as a Variant of Uncertain Significance.